The following is an entry in ClinVar:

NM_005121.3(MED13):c.3337G>T (p.Asp1113Tyr)

Gene: MED13 (mediator complex subunit 13; minus strand). Cytogenetic location: 17q23.2.
Variant type: single nucleotide variant.
Coding change: c.3337G>T on transcript NM_005121.3 (MANE Select); coding-DNA position 3337, G replaced by T.
Protein change: p.Asp1113Tyr; replaces aspartic acid 1113 with tyrosine.
Molecular consequence: missense variant.
Genome position (GRCh38, 1-based): chr17:61,982,666, C>A on the plus strand (G>T on the coding strand, the complement: MED13 is on the minus strand). VCF-style: chr17-61982666-C-A. GRCh37 (hg19) VCF-style: chr17-60060027-C-A.
Other names: short protein forms D1113Y.
Identifiers: ClinVar variation 3375644 (VCV003375644.1).
Genomic context (GRCh38, chr17:61,982,666, plus strand): 5'-TTCTGTTCATGACAGCACTGAAGCCACAGGTACACCTATATTGTGCTTCCTGCGTTGGAT[C>A]TGGAATGTAAACTCCAACATCGGCACCCTTGATGTTCATGTTGCAAACACAGATGCAACA-3'
Protein context (NP_005112.2, residues 1103-1123): KGADVGVYIP[Asp1113Tyr]PTQEAQYRCT

ClinVar aggregate classification (germline): Uncertain significance (1 of 4 stars; one submission).

Submission:

GeneDx
Classification: Uncertain significance. Last evaluated: 2024-05-07. Review status: criteria provided, single submitter. Criteria: GeneDx Variant Classification Process June 2021. Collection method: clinical testing. Allele origin: germline. Affected: yes.
Comment: Not observed at significant frequency in large population cohorts (gnomAD); In silico analysis supports that this missense variant has a deleterious effect on protein structure/function; Has not been previously published as pathogenic or benign to our knowledge